The following is an entry in ClinVar:

NM_130384.3(ATRIP):c.2347G>A (p.Val783Met)

Genes: ATRIP (ATR interacting protein; plus strand), ATRIP-TREX1 (ATRIP-TREX1 readthrough; plus strand), LOC129936704 (ATAC-STARR-seq lymphoblastoid active region 19829; plus strand). Cytogenetic location: 3p21.31.
Variant type: single nucleotide variant.
Coding change: c.2347G>A on transcript NM_130384.3 (MANE Select); coding-DNA position 2347, G replaced by A.
Protein change: p.Val783Met; replaces valine 783 with methionine.
Molecular consequence: missense variant. On other transcripts: non-coding transcript variant (1).
Genome position (GRCh38, 1-based): chr3:48,465,525, G>A. VCF-style: chr3-48465525-G-A. GRCh37 (hg19) VCF-style: chr3-48506924-G-A.
Other names: c.-811G>A (NM_033629.4); c.1966G>A, p.Val656Met (NM_001271022.2); c.2068G>A, p.Val690Met (NM_001271023.2); c.2266G>A, p.Val756Met (NM_032166.4); short protein forms V756M, V783M, V656M, V690M.
Identifiers: ClinVar variation 4844946 (VCV004844946.1).

ClinVar aggregate classification (germline): Uncertain significance (1 of 4 stars; one submission).

Submission:

Ambry Genetics
Classification: Uncertain significance. Last evaluated: 2026-02-15. Review status: criteria provided, single submitter. Criteria: Ambry Variant Classification Scheme 2023. Collection method: clinical testing. Allele origin: germline.
Comment: The p.V783M variant (also known as c.2347G>A), located in coding exon 13 of the ATRIP gene, results from a G to A substitution at nucleotide position 2347. The valine at codon 783 is replaced by methionine, an amino acid with highly similar properties. This amino acid position is conserved. In addition, this alteration is predicted to be tolerated by in silico analysis. Based on the available evidence, the clinical significance of this variant remains unclear.